The following is an entry in ClinVar:

ClinVar aggregate classification (germline): Uncertain significance (1 of 4 stars; one submission).

Conditions:
ALG12-congenital disorder of glycosylation (CDG1G). Also called: Congenital disorder of glycosylation, type Ig; ALG12-CDG; CDG Ig. Identifiers: Orphanet 79324, MedGen C2931001, MONDO:0011783, OMIM 607143.

Allele frequency attached by ClinVar (database versions not stated): gnomAD exomes below 0.00001; ExAC 0.00001; gnomAD 0.00001; TOPMed 0.00001; ESP Exome Variant Server 0.00015.
gnomAD v4.1: 8 of 1,614,086 alleles (0.0005%); highest among the groups gnomAD compares: Non-Finnish European, 0.00068%; no homozygotes.

Submission:

Labcorp Genetics (formerly Invitae), Labcorp
Classification: Uncertain significance for ALG12-congenital disorder of glycosylation. Last evaluated: 2022-08-05. Review status: criteria provided, single submitter. Criteria: Invitae Variant Classification Sherloc (09022015). Collection method: clinical testing. Allele origin: germline.
Comment: This sequence change replaces proline, which is neutral and non-polar, with serine, which is neutral and polar, at codon 384 of the ALG12 protein (p.Pro384Ser). This variant is present in population databases (rs369814556, gnomAD 0.002%). This variant has not been reported in the literature in individuals affected with ALG12-related conditions. Algorithms developed to predict the effect of missense changes on protein structure and function output the following: SIFT: "Tolerated"; PolyPhen-2: "Benign"; Align-GVGD: "Class C0". The serine amino acid residue is found in multiple mammalian species, which suggests that this missense change does not adversely affect protein function. In summary, the available evidence is currently insufficient to determine the role of this variant in disease. Therefore, it has been classified as a Variant of Uncertain Significance.

NM_024105.4(ALG12):c.1150C>T (p.Pro384Ser)

Gene: ALG12 (ALG12 alpha-1,6-mannosyltransferase; minus strand). Cytogenetic location: 22q13.33.
Variant type: single nucleotide variant.
Coding change: c.1150C>T on transcript NM_024105.4 (MANE Select); coding-DNA position 1150, C replaced by T.
Protein change: p.Pro384Ser; replaces proline 384 with serine.
Molecular consequence: missense variant.
Genome position (GRCh38, 1-based): chr22:49,904,349, G>A on the plus strand (C>T on the coding strand, the complement: ALG12 is on the minus strand). VCF-style: chr22-49904349-G-A. GRCh37 (hg19) VCF-style: chr22-50297997-G-A.
Other names: short protein forms P384S.
Identifiers: ClinVar variation 2046009 (VCV002046009.1), dbSNP rs369814556, ClinGen allele CA10300334.